The following is an entry in ClinVar:

NM_001081.4(CUBN):c.6047C>T (p.Thr2016Ile)

Gene: CUBN (cubilin; minus strand). Cytogenetic location: 10p13.
Variant type: single nucleotide variant.
Coding change: c.6047C>T on transcript NM_001081.4 (MANE Select); coding-DNA position 6047, C replaced by T.
Protein change: p.Thr2016Ile; replaces threonine 2016 with isoleucine.
Molecular consequence: missense variant.
Genome position (GRCh38, 1-based): chr10:16,933,164, G>A on the plus strand (C>T on the coding strand, the complement: CUBN is on the minus strand). VCF-style: chr10-16933164-G-A. GRCh37 (hg19) VCF-style: chr10-16975163-G-A.
Other names: short protein forms T2016I.
Identifiers: ClinVar variation 2779060 (VCV002779060.3), dbSNP rs555477131, ClinGen allele CA376153503.
Genomic context (GRCh38, chr10:16,933,164, plus strand): 5'-CTATCATAGGCACACGTTCGGTGAGATTCAATGTCCAGGGAAAGAATGTTGAGTTCCACG[G>A]TAGAGTCGGGAGCCTGGATGAGCCACGTACAGTCCACTCTATTACTGTAACTGTCAGGCC-3'
Protein context (NP_001072.2, residues 2006-2026): CTWLIQAPDS[Thr2016Ile]VELNILSLDI

ClinVar aggregate classification (germline): Uncertain significance (1 of 4 stars; one submission).

Conditions:
Imerslund-Grasbeck syndrome. Also called: Megaloblastic anemia due to inborn errors of metabolism; Imerslund-Gräsbeck syndrome; ENTEROCYTE COBALAMIN MALABSORPTION; ENTEROCYTE INTRINSIC FACTOR RECEPTOR, DEFECT OF; PERNICIOUS ANEMIA, JUVENILE, DUE TO SELECTIVE INTESTINAL MALABSORPTION OF VITAMIN B12, WITH PROTEINURIA. Identifiers: Orphanet 35858, MedGen C4551825, MONDO:0009853.

Submission:

Labcorp Genetics (formerly Invitae), Labcorp
Classification: Uncertain significance for Imerslund-Grasbeck syndrome. Last evaluated: 2023-11-13. Review status: criteria provided, single submitter. Criteria: Invitae Variant Classification Sherloc (09022015). Collection method: clinical testing. Allele origin: germline.
Comment: This sequence change replaces threonine, which is neutral and polar, with isoleucine, which is neutral and non-polar, at codon 2016 of the CUBN protein (p.Thr2016Ile). This variant is not present in population databases (gnomAD no frequency). This variant has not been reported in the literature in individuals affected with CUBN-related conditions. Advanced modeling of protein sequence and biophysical properties (such as structural, functional, and spatial information, amino acid conservation, physicochemical variation, residue mobility, and thermodynamic stability) performed at Invitae indicates that this missense variant is not expected to disrupt CUBN protein function with a negative predictive value of 80%. In summary, the available evidence is currently insufficient to determine the role of this variant in disease. Therefore, it has been classified as a Variant of Uncertain Significance.